The following is an entry in ClinVar:

NM_001715.3(BLK):c.574C>G (p.Arg192Gly)

Genes: BLK (BLK proto-oncogene, Src family tyrosine kinase), BLK-AS1 (BLK antisense RNA 1). Cytogenetic location: 8p23.1.
Variant type: single nucleotide variant.
Coding change: c.574C>G on transcript NM_001715.3 (MANE Select); coding-DNA position 574, C replaced by G.
Protein change: p.Arg192Gly; replaces arginine 192 with glycine.
Molecular consequence: missense variant.
Genome position (GRCh38, 1-based): chr8:11,554,844, C>G. VCF-style: chr8-11554844-C-G. GRCh37 (hg19) VCF-style: chr8-11412353-C-G.
Other names: c.361C>G, p.Arg121Gly (NM_001330465.2); short protein forms R121G, R192G.
Identifiers: ClinVar variation 1804430 (VCV001804430.8), dbSNP rs141947199, ClinGen allele CA4629964.

ClinVar aggregate classification (germline): Conflicting classifications of pathogenicity. Review status: criteria provided, conflicting classifications (1 of 4 stars). 4 submissions from 4 submitters: Uncertain significance (2); Likely benign (1). 1 of the submissions does not count toward it. Last evaluated 2025-10-07.

Conditions:
BLK-related disorder. Also called: BLK-related condition.

Allele frequency attached by ClinVar (database versions not stated): 1000 Genomes Project 0.00060; ESP Exome Variant Server 0.00054; 1000 Genomes Project 30x 0.00047.
gnomAD v4.1: 137 of 1,613,952 alleles (0.0085%); highest among the groups gnomAD compares: African/African-American, 0.16%; no homozygotes.

Submissions (4):

GeneDx
Classification: Uncertain significance. Last evaluated: 2025-10-07. Review status: criteria provided, single submitter. Criteria: GeneDx Variant Classification Process June 2021. Collection method: clinical testing. Allele origin: germline.
Comment: Reported in an individual from a large cohort of patients with dyslipidemias (PMID: 32041611); however, patient clinical information was not provided; In silico analysis supports that this missense variant has a deleterious effect on protein structure/function; Variants in candidate genes are classified as variants of uncertain significance in accordance with ACMG guidelines (PMID: 25741868); This variant is associated with the following publications: (PMID: 32041611)

Labcorp Genetics (formerly Invitae), Labcorp
Classification: Uncertain significance. Last evaluated: 2025-07-16. Review status: criteria provided, single submitter. Criteria: Invitae Variant Classification Sherloc (09022015). Collection method: clinical testing. Allele origin: germline.
Comment: This sequence change replaces arginine, which is basic and polar, with glycine, which is neutral and non-polar, at codon 192 of the BLK protein (p.Arg192Gly). This variant is present in population databases (rs141947199, gnomAD 0.2%), and has an allele count higher than expected for a pathogenic variant. This missense change has been observed in individual(s) with BLK-related conditions (PMID: 32041611). ClinVar contains an entry for this variant (Variation ID: 1804430). An algorithm developed to predict the effect of missense changes on protein structure and function (PolyPhen-2) suggests that this variant is likely to be tolerated. In summary, the available evidence is currently insufficient to determine the role of this variant in disease. Therefore, it has been classified as a Variant of Uncertain Significance.

Women's Health and Genetics/Laboratory Corporation of America, LabCorp
Classification: Likely benign. Last evaluated: 2023-08-07. Review status: criteria provided, single submitter. Criteria: LabCorp Variant Classification Summary - May 2015. Collection method: clinical testing. Allele origin: germline.

PreventionGenetics, part of Exact Sciences
Classification: Likely benign for BLK-related condition. Last evaluated: 2020-06-10. Review status: no assertion criteria provided. Collection method: clinical testing. Allele origin: germline. Not counted in ClinVar's aggregate classification.
Comment: This variant is classified as likely benign based on ACMG/AMP sequence variant interpretation guidelines (Richards et al. 2015 PMID: 25741868, with internal and published modifications).

Literature cited by the submitters: PubMed 32041611 (cited by Labcorp Genetics (formerly Invitae), Labcorp).